The following is an entry in ClinVar:

ClinVar aggregate classification (germline): Likely benign. Review status: reviewed by expert panel (3 of 4 stars). 12 submissions from 12 submitters: Likely benign (1). 11 of the submissions do not count toward it. Last evaluated 2023-08-10.

Conditions:
CDH1-related diffuse gastric and lobular breast cancer syndrome. Also called: CDH1-related diffuse gastric and lobular breast cancer. Identifiers: MedGen CN311521, MONDO:0100488.
CDH1-related disorder. Also called: CDH1-related condition.
Hereditary cancer-predisposing syndrome. Also called: Neoplastic Syndromes, Hereditary; Hereditary neoplastic syndrome; Hereditary Cancer Syndrome; Tumor predisposition. Identifiers: Orphanet 140162, MedGen C0027672, MeSH D009386, MONDO:0015356.
Hereditary diffuse gastric adenocarcinoma (HDGC). Also called: DIFFUSE GASTRIC AND LOBULAR BREAST CANCER SYNDROME. Identifiers: Orphanet 26106, MedGen C1708349, MONDO:0007648, OMIM 137215.

Allele frequency attached by ClinVar (database versions not stated): gnomAD 0.00001; TOPMed 0.00001; gnomAD exomes 0.00003 and 0.00006; ExAC 0.00005.
gnomAD v4.1: 49 of 1,613,458 alleles (0.003%); highest among the groups gnomAD compares: Middle Eastern, 0.082%; no homozygotes.

Submissions (12):

Clingen Gastric Cancer Variant Curation Expert Panel
Classification: Likely benign for CDH1-related diffuse gastric and lobular breast cancer syndrome. Last evaluated: 2023-08-10. Review status: reviewed by expert panel. Criteria: ClinGen CDH1 ACMG Specifications V3.1. Collection method: curation. Allele origin: germline. Inheritance: Autosomal dominant inheritance.
Comment: The c.370C>T (p.Arg124Cys) missense variant has a frequency of 0.039% in South Asians (12/30610 alleles) in the gnomAD v2.1.1 cohort. This variant has been observed in at least 10 (62) individuals without DGC, SRC tumours or LBC and whose families do not suggest HDGC (BS2; PMID: 30287823, SCV000288481.8, SCV000661624.3). In summary, the clinical significance of this variant is classified as of likely benign based the ACMG/AMP criteria applied, as specified by the CDH1 Variant Curation Expert Panel (Variant Interpretation Guidelines Version 3.1): BS2.

PreventionGenetics, part of Exact Sciences
Classification: Likely benign for CDH1-related condition. Last evaluated: 2026-06-29. Review status: criteria provided, single submitter. Criteria: ACMG Guidelines, 2015. Collection method: clinical testing. Allele origin: germline. Not counted in ClinVar's aggregate classification.
Comment: This variant is classified as likely benign based on ACMG/AMP sequence variant interpretation guidelines (Richards et al. 2015 PMID: 25741868, with internal and published modifications).

Labcorp Genetics (formerly Invitae), Labcorp
Classification: Likely benign for Hereditary diffuse gastric adenocarcinoma. Last evaluated: 2026-01-20. Review status: criteria provided, single submitter. Criteria: Invitae Variant Classification Sherloc (09022015). Collection method: clinical testing. Allele origin: germline. Not counted in ClinVar's aggregate classification.

Myriad Genetics, Inc.
Classification: Uncertain significance for Hereditary diffuse gastric adenocarcinoma. Last evaluated: 2023-03-03. Review status: criteria provided, single submitter. Criteria: Myriad Autosomal Dominant, Autosomal Recessive and X-Linked Classification Criteria (2023). Collection method: clinical testing. Allele origin: unknown. Not counted in ClinVar's aggregate classification.
Comment: This variant is classified as a variant of uncertain significance as there is insufficient evidence to determine its impact on protein function and/or cancer risk.

Ambry Genetics
Classification: Likely benign for Hereditary cancer-predisposing syndrome. Last evaluated: 2022-12-09. Review status: criteria provided, single submitter. Criteria: Ambry Variant Classification Scheme 2023. Collection method: clinical testing. Allele origin: germline. Not counted in ClinVar's aggregate classification.

GeneDx
Classification: Uncertain significance. Last evaluated: 2022-08-24. Review status: criteria provided, single submitter. Criteria: GeneDx Variant Classification Process June 2021. Collection method: clinical testing. Allele origin: germline. Affected: yes. Not counted in ClinVar's aggregate classification.
Comment: In silico analysis supports that this missense variant does not alter protein structure/function; Observed in individuals with breast cancer, but also in unaffected controls (Momozawa et al., 2018); This variant is associated with the following publications: (PMID: 15235021, 30287823)

Color Diagnostics, LLC DBA Color Health
Classification: Likely benign for Hereditary cancer-predisposing syndrome. Last evaluated: 2022-04-18. Review status: criteria provided, single submitter. Criteria: ACMG Guidelines, 2015. Collection method: clinical testing. Allele origin: germline. Not counted in ClinVar's aggregate classification.

Women's Health and Genetics/Laboratory Corporation of America, LabCorp
Classification: Likely benign. Last evaluated: 2022-01-29. Review status: criteria provided, single submitter. Criteria: LabCorp Variant Classification Summary - May 2015. Collection method: clinical testing. Allele origin: germline. Not counted in ClinVar's aggregate classification.
Comment: Variant summary: CDH1 c.370C>T (p.Arg124Cys) results in a non-conservative amino acid change in the encoded protein sequence. Three of five in-silico tools predict a benign effect of the variant on protein function. The variant allele was found at a frequency of 6e-05 in 250704 control chromosomes, predominantly at a frequency of 0.00039 within the South Asian subpopulation in the gnomAD database. The observed variant frequency within South Asian control individuals in the gnomAD database is approximately 14 fold of the estimated maximal expected allele frequency for a pathogenic variant in CDH1 causing Hereditary Diffuse Gastric Cancer phenotype (2.8e-05), strongly suggesting that the variant is a benign polymorphism found primarily in populations of South Asian origin. c.370C>T has been reported in the literature as a VUS found in cases and unaffected controls in settings of multigene panel testing among germline and tumors of individuals with unspecified/bilateral breast cancer respectively (example, Momozawa_2018 Fountzilas_2016). These report(s) do not provide unequivocal conclusions about association of the variant with CDH1-related Hereditary Diffuse Gastric Cancer/Lobular Breast Cancer. To our knowledge, no experimental evidence demonstrating an impact on protein function has been reported. Six clinical diagnostic laboratories have submitted clinical-significance assessments for this variant to ClinVar after 2014 without evidence for independent evaluation. All laboratories classified the variant as uncertain significance. Based on the evidence outlined above, the variant was classified as likely benign.

Sema4
Classification: Uncertain significance for Hereditary cancer-predisposing syndrome. Last evaluated: 2022-01-04. Review status: criteria provided, single submitter. Criteria: Sema4 Curation Guidelines. Collection method: curation. Allele origin: germline. Not counted in ClinVar's aggregate classification.
Comment: The CDH1 c.370C>T (p.R124C) variant has been reported in heterozygosity in at least four individuals with breast and ovarian cancer (PMID: 30287823, 30287823, DOI 10.1101/2021.04.15.21255554), but has also been reported in healthy controls (PMID: 30287823, 32980694). It has been reported in a large case-control study of a breast cancer in 1/60466 cases and 1/53461 controls, (PMID: 33471991). It was observed in 12/30610 chromosomes in the South Asian subpopulation in the Genome Aggregation Database (PMID: 32461654). This variant has been reported in ClinVar (Variation ID: 239905). Functional studies have not been performed, and in silico predictions of the variant's effect on protein function are inconclusive. The evidence is insufficient to meet ACMG/AMP criteria for classifying the variant as benign or pathogenic. Thus, the clinical significance of this variant is currently uncertain.

Department of Pathology and Laboratory Medicine, Sinai Health System
Classification: Uncertain significance for CDH1-related diffuse gastric and lobular breast cancer syndrome. Last evaluated: 2020-01-29. Review status: criteria provided, single submitter. Criteria: ACMG Guidelines, 2015. Collection method: clinical testing. Allele origin: germline. Affected: yes. Not counted in ClinVar's aggregate classification.

Illumina Laboratory Services, Illumina
Classification: Uncertain significance for Hereditary diffuse gastric adenocarcinoma. Last evaluated: 2018-01-13. Review status: criteria provided, single submitter. Criteria: ICSL Variant Classification Criteria 13 December 2019. Collection method: clinical testing. Allele origin: germline. Not counted in ClinVar's aggregate classification.

Counsyl
Classification: Uncertain significance for Hereditary diffuse gastric adenocarcinoma. Last evaluated: 2017-07-12. Review status: no assertion criteria provided. Collection method: clinical testing. Allele origin: unknown. Not counted in ClinVar's aggregate classification.

Literature cited by the submitters: PubMed 30287823 (cited by 3 submitters); PubMed 32980694 (cited by Ambry Genetics and Sema4); PubMed 27904775 (cited by Women's Health and Genetics/Laboratory Corporation of America, LabCorp and Counsyl); PubMed 33471991 (cited by Sema4).

NM_004360.5(CDH1):c.370C>T (p.Arg124Cys)

Gene: CDH1 (cadherin 1; plus strand). Cytogenetic location: 16q22.1.
Variant type: single nucleotide variant.
Coding change: c.370C>T on transcript NM_004360.5 (MANE Select); coding-DNA position 370, C replaced by T.
Protein change: p.Arg124Cys; replaces arginine 124 with cysteine.
Molecular consequence: missense variant. On other transcripts: 5 prime UTR variant (2).
Genome position (GRCh38, 1-based): chr16:68,801,876, C>T. VCF-style: chr16-68801876-C-T. GRCh37 (hg19) VCF-style: chr16-68835779-C-T.
Other names: NM_004360.5(CDH1):c.370C>T; p.Arg124Cys; c.370C>T (LRG_301t1); c.370C>T, p.Arg124Cys (NM_001317184.2); c.-1246C>T (NM_001317185.2); c.-1450C>T (NM_001317186.2); short protein forms R124C.
Identifiers: ClinVar variation 239905 (VCV000239905.37), dbSNP rs748086082, ClinGen allele CA8129836.